The following is an entry in ClinVar:

NM_001308120.2(TOGARAM1):c.87_88delinsT (p.Ala30fs)

Gene: TOGARAM1 (TOG array regulator of axonemal microtubules 1; plus strand). Cytogenetic location: 14q21.2.
Variant type: Indel.
Coding change: c.87_88delinsT on transcript NM_001308120.2 (MANE Select); coding-DNA positions 87 to 88, CG replaced by T.
Protein change: p.Ala30fs; shifts the reading frame from alanine 30.
Molecular consequence: frameshift variant. On other transcripts: non-coding transcript variant (1).
Genome position (GRCh38, 1-based): chr14:44,962,508-44,962,509, CG replaced by T. VCF-style: chr14-44962508-CG-T. GRCh37 (hg19) VCF-style: chr14-45431711-CG-T.
Other names: c.87_88delinsT, p.Ala30fs (NM_015091.4); short protein forms A30fs.
Identifiers: ClinVar variation 3239617 (VCV003239617.19), dbSNP rs2502585923.

ClinVar aggregate classification (germline): Uncertain significance (1 of 4 stars; one submission).

Submission:

CeGaT Center for Human Genetics Tuebingen
Classification: Uncertain significance. Last evaluated: 2024-05-01. Review status: criteria provided, single submitter. Criteria: CeGaT Center For Human Genetics Tuebingen Variant Classification Criteria Version 2. Collection method: clinical testing. Allele origin: germline. Affected: yes. Observed: 1 variant allele.
Comment: TOGARAM1: PM2